The following is an entry in ClinVar:

ClinVar aggregate classification (germline): Uncertain significance (1 of 4 stars; one submission).

Allele frequency attached by ClinVar (database versions not stated): TOPMed below 0.00001; gnomAD exomes 0.00001.
gnomAD v4.1: 9 of 1,614,012 alleles (0.00056%); highest among the groups gnomAD compares: East Asian, 0.0022%; no homozygotes.

Submission:

Labcorp Genetics (formerly Invitae), Labcorp
Classification: Uncertain significance. Last evaluated: 2022-07-06. Review status: criteria provided, single submitter. Criteria: Invitae Variant Classification Sherloc (09022015). Collection method: clinical testing. Allele origin: germline.
Comment: In summary, the available evidence is currently insufficient to determine the role of this variant in disease. Therefore, it has been classified as a Variant of Uncertain Significance. Algorithms developed to predict the effect of missense changes on protein structure and function output the following: SIFT: "Tolerated"; PolyPhen-2: "Benign"; Align-GVGD: "Class C0". The histidine amino acid residue is found in multiple mammalian species, which suggests that this missense change does not adversely affect protein function. ClinVar contains an entry for this variant (Variation ID: 1364851). This variant has not been reported in the literature in individuals affected with FCHO1-related conditions. This variant is present in population databases (no rsID available, gnomAD 0.01%). This sequence change replaces arginine, which is basic and polar, with histidine, which is basic and polar, at codon 565 of the FCHO1 protein (p.Arg565His).

NM_015122.3(FCHO1):c.1694G>A (p.Arg565His)

Gene: FCHO1 (FCH and mu domain containing endocytic adaptor 1; plus strand). Cytogenetic location: 19p13.11.
Variant type: single nucleotide variant.
Coding change: c.1694G>A on transcript NM_015122.3 (MANE Select); coding-DNA position 1694, G replaced by A.
Protein change: p.Arg565His; replaces arginine 565 with histidine.
Molecular consequence: missense variant. On other transcripts: non-coding transcript variant (36).
Genome position (GRCh38, 1-based): chr19:17,781,297, G>A. VCF-style: chr19-17781297-G-A. GRCh37 (hg19) VCF-style: chr19-17892106-G-A.
Other names: c.1694G>A, p.Arg565His (NM_001384376.1, NM_001384377.1, NM_001384378.1 and 13 more transcripts); c.1544G>A, p.Arg515His (NM_001384384.1, NM_001384385.1, NM_001384386.1 and 1 more transcripts); c.1418G>A, p.Arg473His (NM_001384397.1, NM_001384398.1, NM_001384399.1 and 5 more transcripts); c.1373G>A, p.Arg458His (NM_001384403.1); c.1655G>A, p.Arg552His (NM_001384405.1, NM_001384388.1, NM_001384389.1); c.1268G>A, p.Arg423His (NM_001384406.1); c.1619G>A, p.Arg540His (NM_001384390.1); c.1577G>A, p.Arg526His (NM_001384392.1, NM_001384393.1, NM_001384394.1 and 1 more transcripts); and 1 more; short protein forms R375H, R515H, R473H, R540H, R458H, R552H, R423H, R526H.
Identifiers: ClinVar variation 1364851 (VCV001364851.6), dbSNP rs952257611, ClinGen allele CA306118611.